The following is an entry in ClinVar:

NM_018941.4(CLN8):c.546G>A (p.Ala182=)

Gene: CLN8 (CLN8 transmembrane ER and ERGIC protein; plus strand). Cytogenetic location: 8p23.3.
Variant type: single nucleotide variant.
Coding change: c.546G>A on transcript NM_018941.4 (MANE Select); coding-DNA position 546, G replaced by A.
Protein change: p.Ala182=; no amino-acid change (alanine 182 retained).
Molecular consequence: synonymous variant.
Genome position (GRCh38, 1-based): chr8:1,780,252, G>A. VCF-style: chr8-1780252-G-A. GRCh37 (hg19) VCF-style: chr8-1728418-G-A.
Other names: p.A182A:GCG>GCA.
Identifiers: ClinVar variation 205186 (VCV000205186.24), dbSNP rs144047076, ClinGen allele CA313996.

ClinVar aggregate classification (germline): Benign/Likely benign. Review status: criteria provided, multiple submitters, no conflicts (2 of 4 stars). 10 submissions from 10 submitters: Benign (2); Likely benign (5). 3 of the submissions do not count toward it. Last evaluated 2026-04-01.

Conditions:
CLN8-related disorder. Also called: CLN8-related condition.
Inborn genetic diseases. Identifiers: MedGen C0950123, MeSH D030342.
Neuronal ceroid lipofuscinosis. Also called: Neuronal Ceroid Lipofuscinoses. Identifiers: Orphanet 216, Orphanet 79263, MedGen C0027877, MONDO:0016295. Disease mechanism: loss of function.
Intellectual disability. Also called: Intellectual functioning disability; intellectual disabilities; Intellectual developmental disorder. Identifiers: MedGen C3714756, MeSH D008607, MONDO:0001071, HP:0001249.

Allele frequency attached by ClinVar (database versions not stated): 1000 Genomes Project 30x 0.00016; 1000 Genomes Project 0.00020; TOPMed 0.00051; ESP Exome Variant Server 0.00062; gnomAD 0.00064.
gnomAD v4.1: 1,069 of 1,614,236 alleles (0.066%); highest among the groups gnomAD compares: Non-Finnish European, 0.084%; no homozygotes.

Submissions (11):

PreventionGenetics, part of Exact Sciences
Classification: Likely benign for CLN8-related condition. Last evaluated: 2026-04-01. Review status: criteria provided, single submitter. Criteria: ACMG Guidelines, 2015. Collection method: clinical testing. Allele origin: germline.
Comment: This variant is classified as likely benign based on ACMG/AMP sequence variant interpretation guidelines (Richards et al. 2015 PMID: 25741868, with internal and published modifications).

Labcorp Genetics (formerly Invitae), Labcorp
Classification: Likely benign for Neuronal ceroid lipofuscinosis. Last evaluated: 2026-01-19. Review status: criteria provided, single submitter. Criteria: Invitae Variant Classification Sherloc (09022015). Collection method: clinical testing. Allele origin: germline.

Blueprint Genetics
Classification: Likely benign. Last evaluated: 2024-11-18. Review status: criteria provided, single submitter. Criteria: ACMG Guidelines, 2015. Collection method: clinical testing. Allele origin: germline.

Athena Diagnostics
Classification: Benign. Last evaluated: 2020-01-06. Review status: criteria provided, single submitter. Criteria: Athena Diagnostics Criteria. Collection method: clinical testing. Allele origin: unknown.

Ambry Genetics
Classification: Likely benign for Inborn genetic diseases. Last evaluated: 2016-07-15. Review status: criteria provided, single submitter. Criteria: Ambry Variant Classification Scheme 2023. Collection method: clinical testing. Allele origin: germline.

GeneDx
Classification: Benign. Last evaluated: 2014-12-04. Review status: criteria provided, single submitter. Criteria: GeneDx Variant Classification (06012015). Collection method: clinical testing. Allele origin: germline. Affected: yes.
Comment: This variant is considered likely benign or benign based on one or more of the following criteria: it is a conservative change, it occurs at a poorly conserved position in the protein, it is predicted to be benign by multiple in silico algorithms, and/or has population frequency not consistent with disease.

Breakthrough Genomics
Classification: Likely benign. Review status: criteria provided, single submitter. Criteria: ACMG Guidelines, 2015. Collection method: not provided. Allele origin: germline. Inheritance: Autosomal recessive inheritance. Affected: yes.

Centre de Biologie Pathologie Génétique, Centre Hospitalier Universitaire de Lille
Classification: Likely benign for Intellectual disability. Last evaluated: 2019-01-01. Review status: no assertion criteria provided. Collection method: clinical testing. Allele origin: inherited. Affected: yes. Not counted in ClinVar's aggregate classification.

Clinical Genetics DNA and cytogenetics Diagnostics Lab, Erasmus MC, Erasmus Medical Center
Classification: Likely benign. Review status: no assertion criteria provided. Collection method: clinical testing. Allele origin: germline. Affected: yes. Study: VKGL Data-share Consensus. Not counted in ClinVar's aggregate classification.

Dr. Peter K. Rogan Lab, Western University
No classification provided (evidence only). Condition: Gastric cancer. Review status: no classification provided. Collection method: in vitro. Allele origin: not applicable. Functional consequence: retained intron. Not counted in ClinVar's aggregate classification.

Genome Diagnostics Laboratory, University Medical Center Utrecht
Classification: Likely benign. Review status: no assertion criteria provided. Collection method: clinical testing. Allele origin: germline. Affected: yes. Study: VKGL Data-share Consensus. Not counted in ClinVar's aggregate classification.